The following is an entry in ClinVar:

ClinVar aggregate classification (germline): Uncertain significance (1 of 4 stars; one submission).

Conditions:
Hyperekplexia 2 (HKPX2). Identifiers: Orphanet 3197, MedGen C3553291, MONDO:0013828, OMIM 614619.

Submission:

Labcorp Genetics (formerly Invitae), Labcorp
Classification: Uncertain significance for Hyperekplexia 2. Last evaluated: 2021-03-14. Review status: criteria provided, single submitter. Criteria: Invitae Variant Classification Sherloc (09022015). Collection method: clinical testing. Allele origin: germline.
Comment: This variant is not present in population databases (ExAC no frequency). In summary, the available evidence is currently insufficient to determine the role of this variant in disease. Therefore, it has been classified as a Variant of Uncertain Significance. Nucleotide substitutions within the consensus splice site are a relatively common cause of aberrant splicing (PMID: 17576681, 9536098). Algorithms developed to predict the effect of sequence changes on RNA splicing suggest that this variant may disrupt the consensus splice site, but this prediction has not been confirmed by published transcriptional studies. This variant has not been reported in the literature in individuals with GLRB-related conditions. This sequence change falls in intron 2 of the GLRB gene. It does not directly change the encoded amino acid sequence of the GLRB protein. It affects a nucleotide within the consensus splice site of the intron.

Literature cited by the submitters: PubMed 17576681; PubMed 9536098.

NM_000824.5(GLRB):c.122+3A>G

Gene: GLRB (glycine receptor beta; plus strand). Cytogenetic location: 4q32.1.
Variant type: single nucleotide variant.
Coding change: c.122+3A>G on transcript NM_000824.5 (MANE Select); 3 bases into the intron after coding-DNA position 122, A replaced by G.
Molecular consequence: intron variant.
Genome position (GRCh38, 1-based): chr4:157,078,149, A>G. VCF-style: chr4-157078149-A-G. GRCh37 (hg19) VCF-style: chr4-157999301-A-G.
Other names: c.122+3A>G (NM_001166061.2, NM_001166060.2).
Identifiers: ClinVar variation 1350322 (VCV001350322.6), dbSNP rs2126409223, ClinGen allele CA2573138086.